The following is an entry in ClinVar:

NM_002335.4(LRP5):c.194C>T (p.Ala65Val)

Gene: LRP5 (LDL receptor related protein 5; plus strand). Cytogenetic location: 11q13.2.
Variant type: single nucleotide variant.
Coding change: c.194C>T on transcript NM_002335.4 (MANE Select); coding-DNA position 194, C replaced by T.
Protein change: p.Ala65Val; replaces alanine 65 with valine.
Molecular consequence: missense variant. On other transcripts: 5 prime UTR variant (1).
Genome position (GRCh38, 1-based): chr11:68,347,949, C>T. VCF-style: chr11-68347949-C-T. GRCh37 (hg19) VCF-style: chr11-68115417-C-T.
Other names: c.-1572C>T (NM_001291902.2); short protein forms A65V.
Identifiers: ClinVar variation 2997958 (VCV002997958.3), dbSNP rs1289054172, ClinGen allele CA381610259.

ClinVar aggregate classification (germline): Uncertain significance (1 of 4 stars; one submission).

Allele frequency attached by ClinVar (database versions not stated): gnomAD exomes below 0.00001.

Submission:

Labcorp Genetics (formerly Invitae), Labcorp
Classification: Uncertain significance. Last evaluated: 2023-01-24. Review status: criteria provided, single submitter. Criteria: Invitae Variant Classification Sherloc (09022015). Collection method: clinical testing. Allele origin: germline.
Comment: This variant is present in population databases (no rsID available, gnomAD 0.003%). In summary, the available evidence is currently insufficient to determine the role of this variant in disease. Therefore, it has been classified as a Variant of Uncertain Significance. Experimental studies have shown that this missense change affects LRP5 function (PMID: 17276019). Advanced modeling of protein sequence and biophysical properties (such as structural, functional, and spatial information, amino acid conservation, physicochemical variation, residue mobility, and thermodynamic stability) performed at Invitae indicates that this missense variant is expected to disrupt LRP5 protein function. This variant has not been reported in the literature in individuals affected with LRP5-related conditions. This sequence change replaces alanine, which is neutral and non-polar, with valine, which is neutral and non-polar, at codon 65 of the LRP5 protein (p.Ala65Val).

Literature cited by the submitters: PubMed 17276019.